The following is an entry in ClinVar:

NM_053025.4(MYLK):c.2079C>A (p.Tyr693Ter)

Gene: MYLK (myosin light chain kinase; minus strand). Cytogenetic location: 3q21.1.
Variant type: single nucleotide variant.
Coding change: c.2079C>A on transcript NM_053025.4 (MANE Select); coding-DNA position 2079, C replaced by A.
Protein change: p.Tyr693Ter; replaces tyrosine 693 with a stop codon.
Molecular consequence: nonsense.
Genome position (GRCh38, 1-based): chr3:123,708,759, G>T on the plus strand (C>A on the coding strand, the complement: MYLK is on the minus strand). VCF-style: chr3-123708759-G-T. GRCh37 (hg19) VCF-style: chr3-123427606-G-T.
Other names: c.1551C>A, p.Tyr517Ter (NM_001321309.2); c.1872C>A, p.Tyr624Ter (NM_053026.4, NM_053028.4); c.2079C>A, p.Tyr693Ter (NM_053027.4); short protein forms Y693*, Y517*, Y624*.
Identifiers: ClinVar variation 2909012 (VCV002909012.3), dbSNP rs774049321, ClinGen allele CA354234317.

ClinVar aggregate classification (germline): Uncertain significance (1 of 4 stars; one submission).

Conditions:
Aortic aneurysm, familial thoracic 7 (AAT7). Also called: AORTIC DISSECTION, FAMILIAL, WITH OR WITHOUT AORTIC ANEURYSM. Identifiers: MedGen C3151077, MONDO:0013418, OMIM 613780.

Submission:

Labcorp Genetics (formerly Invitae), Labcorp
Classification: Uncertain significance for Aortic aneurysm, familial thoracic 7. Last evaluated: 2023-02-16. Review status: criteria provided, single submitter. Criteria: Invitae Variant Classification Sherloc (09022015). Collection method: clinical testing. Allele origin: germline.
Comment: In summary, the available evidence is currently insufficient to determine the role of this variant in disease. Therefore, it has been classified as a Variant of Uncertain Significance. This variant has not been reported in the literature in individuals affected with MYLK-related conditions. This variant is not present in population databases (gnomAD no frequency). This sequence change creates a premature translational stop signal (p.Tyr693*) in the MYLK gene. This variant occurs in the long isoform of MYLK (PMID: 21055718). The current clinical and genetic evidence is not sufficient to establish whether loss-of-function variants in the long isoform of MYLK cause disease.

Literature cited by the submitters: PubMed 21055718.